The following is an entry in ClinVar:

NM_000135.4(FANCA):c.1567-26G>T

Gene: FANCA (FA complementation group A; minus strand). Cytogenetic location: 16q24.3.
Variant type: single nucleotide variant.
Coding change: c.1567-26G>T on transcript NM_000135.4 (MANE Select); 26 bases into the intron before coding-DNA position 1567, G replaced by T.
Molecular consequence: intron variant.
Genome position (GRCh38, 1-based): chr16:89,782,944, C>A on the plus strand (G>T on the coding strand, the complement: FANCA is on the minus strand). VCF-style: chr16-89782944-C-A. GRCh37 (hg19) VCF-style: chr16-89849352-C-A.
Other names: c.1567-26G>T (NM_000135.2, NM_001286167.3).
Identifiers: ClinVar variation 4932318 (VCV004932318.2).

ClinVar aggregate classification (germline): Likely benign. Review status: criteria provided, multiple submitters, no conflicts (2 of 4 stars). 2 submissions from 2 submitters: Likely benign (2). Last evaluated 2026-07-16.

Conditions:
FANCA-related disorder. Also called: FANCA-related condition.

gnomAD v4.1: 2 of 1,613,410 alleles (0.00012%); highest among the groups gnomAD compares: Non-Finnish European, 0.00017%; no homozygotes.

Submissions (2):

PreventionGenetics, part of Exact Sciences
Classification: Likely benign for FANCA-related condition. Last evaluated: 2026-07-16. Review status: criteria provided, single submitter. Criteria: ACMG Guidelines, 2015. Collection method: clinical testing. Allele origin: germline.
Comment: This variant is classified as likely benign based on ACMG/AMP sequence variant interpretation guidelines (Richards et al. 2015 PMID: 25741868, with internal and published modifications).

Blueprint Genetics
Classification: Likely benign. Last evaluated: 2023-10-19. Review status: criteria provided, single submitter. Criteria: ACMG Guidelines, 2015. Collection method: clinical testing. Allele origin: germline.